The following is an entry in ClinVar:

NM_006846.4(SPINK5):c.523T>G (p.Cys175Gly)

Gene: SPINK5 (serine peptidase inhibitor Kazal type 5; plus strand). Cytogenetic location: 5q32.
Variant type: single nucleotide variant.
Coding change: c.523T>G on transcript NM_006846.4 (MANE Select); coding-DNA position 523, T replaced by G.
Protein change: p.Cys175Gly; replaces cysteine 175 with glycine.
Molecular consequence: missense variant.
Genome position (GRCh38, 1-based): chr5:148,089,542, T>G. VCF-style: chr5-148089542-T-G. GRCh37 (hg19) VCF-style: chr5-147469105-T-G.
Other names: c.523T>G, p.Cys175Gly (NM_001127698.2, NM_001127699.2); short protein forms C175G.
Identifiers: ClinVar variation 862727 (VCV000862727.8), dbSNP rs772662655, ClinGen allele CA3495256.

ClinVar aggregate classification (germline): Uncertain significance (1 of 4 stars; one submission).

Conditions:
Ichthyosis linearis circumflexa. Identifiers: MedGen C0265962, MONDO:0043106, HP:0025810.

Allele frequency attached by ClinVar (database versions not stated): gnomAD exomes below 0.00001; ExAC 0.00001; gnomAD 0.00001; TOPMed 0.00001.
gnomAD v4.1: 4 of 1,612,052 alleles (0.00025%); highest among the groups gnomAD compares: Admixed American, 0.0033%; no homozygotes.

Submission:

Labcorp Genetics (formerly Invitae), Labcorp
Classification: Uncertain significance for Ichthyosis linearis circumflexa. Last evaluated: 2022-01-15. Review status: criteria provided, single submitter. Criteria: Invitae Variant Classification Sherloc (09022015). Collection method: clinical testing. Allele origin: germline.
Comment: In summary, the available evidence is currently insufficient to determine the role of this variant in disease. Therefore, it has been classified as a Variant of Uncertain Significance. Algorithms developed to predict the effect of missense changes on protein structure and function are either unavailable or do not agree on the potential impact of this missense change (SIFT: "Deleterious"; PolyPhen-2: "Probably Damaging"; Align-GVGD: "Class C0"). ClinVar contains an entry for this variant (Variation ID: 862727). This variant has not been reported in the literature in individuals affected with SPINK5-related conditions. This variant is present in population databases (rs772662655, gnomAD 0.003%). This sequence change replaces cysteine, which is neutral and slightly polar, with glycine, which is neutral and non-polar, at codon 175 of the SPINK5 protein (p.Cys175Gly).